The following is an entry in ClinVar:

NM_002382.5(MAX):c.64-3T>C

Genes: MAX (MYC associated transcriptional regulator X; minus strand), MAX-AS1 (MAX antisense RNA 1; plus strand). Cytogenetic location: 14q23.3.
Variant type: single nucleotide variant.
Coding change: c.64-3T>C on transcript NM_002382.5 (MANE Select); 3 bases into the intron before coding-DNA position 64, T replaced by C.
Molecular consequence: intron variant. On other transcripts: non-coding transcript variant (1).
Genome position (GRCh38, 1-based): chr14:65,093,818, A>G on the plus strand (T>C on the coding strand, the complement: MAX is on the minus strand). VCF-style: chr14-65093818-A-G. GRCh37 (hg19) VCF-style: chr14-65560536-A-G.
Other names: c.37-3T>C (NM_001271069.2, NM_001407095.1, NM_001407110.1 and 9 more transcripts); c.64-3T>C (NM_197957.4, NM_001407094.1, NM_001407104.1 and 5 more transcripts); c.-304-3T>C (NM_001407112.1, NM_001407111.1); c.-211-3T>C (NM_001407106.1, NM_001407107.1, NM_001320415.2 and 1 more transcripts); c.63+7728T>C (NM_001407098.1); c.87-3T>C (NM_001407114.1).
Identifiers: ClinVar variation 3707488 (VCV003707488.2).
Genomic context (GRCh38, chr14:65,093,818, plus strand): 5'-CTTTGATGTGGTCCCTACGTTTTCGTTCCAGTGCATTATGATGAGCCCGTTTGTCAGCCT[A>G]GAAGAATGGGAGAAAGAACACATTAGGAATGTCACTCCTTTTGCTTGGTACAAGGTGGGT-3'

ClinVar aggregate classification (germline): Uncertain significance (1 of 4 stars; one submission).

Conditions:
Hereditary pheochromocytoma and paraganglioma. Also called: Hereditary paragangliomas and pheochromocytomas; Hereditary Paraganglioma-Pheochromocytoma Syndromes; Hereditary pheochromocytoma-paraganglioma. Identifiers: Orphanet 29072, MedGen C4274332, MONDO:0017366.

Submission:

Labcorp Genetics (formerly Invitae), Labcorp
Classification: Uncertain significance for Hereditary pheochromocytoma and paraganglioma. Last evaluated: 2024-02-27. Review status: criteria provided, single submitter. Criteria: Invitae Variant Classification Sherloc (09022015). Collection method: clinical testing. Allele origin: germline.
Comment: This sequence change falls in intron 2 of the MAX gene. It does not directly change the encoded amino acid sequence of the MAX protein. It affects a nucleotide within the consensus splice site. This variant is not present in population databases (gnomAD no frequency). This variant has not been reported in the literature in individuals affected with MAX-related conditions. Variants that disrupt the consensus splice site are a relatively common cause of aberrant splicing (PMID: 17576681, 9536098). Algorithms developed to predict the effect of sequence changes on RNA splicing suggest that this variant is not likely to affect RNA splicing. In summary, the available evidence is currently insufficient to determine the role of this variant in disease. Therefore, it has been classified as a Variant of Uncertain Significance.

Literature cited by the submitters: PubMed 17576681; PubMed 9536098.